The following is an entry in ClinVar:

NM_001122955.4(BSCL2):c.992G>A (p.Arg331His)

Genes: BSCL2 (BSCL2 lipid droplet biogenesis associated, seipin; minus strand), HNRNPUL2-BSCL2 (HNRNPUL2-BSCL2 readthrough (NMD candidate); minus strand). Cytogenetic location: 11q12.3.
Variant type: single nucleotide variant.
Coding change: c.992G>A on transcript NM_001122955.4 (MANE Select); coding-DNA position 992, G replaced by A.
Protein change: p.Arg331His; replaces arginine 331 with histidine.
Molecular consequence: missense variant. On other transcripts: non-coding transcript variant (1), intron variant (1).
Genome position (GRCh38, 1-based): chr11:62,691,293, C>T on the plus strand (G>A on the coding strand, the complement: BSCL2 is on the minus strand). VCF-style: chr11-62691293-C-T. GRCh37 (hg19) VCF-style: chr11-62458765-C-T.
Other names: c.992G>A, p.Arg331His (NM_001386027.1, NM_001386028.1); c.800G>A, p.Arg267His (NM_032667.6); c.672-152G>A (NM_001130702.2); short protein forms R267H, R331H.
Identifiers: ClinVar variation 576407 (VCV000576407.13), dbSNP rs201229787, ClinGen allele CA6053390.

ClinVar aggregate classification (germline): Conflicting classifications of pathogenicity. Review status: criteria provided, conflicting classifications (1 of 4 stars). 3 submissions from 3 submitters: Uncertain significance (2); Likely benign (1). Last evaluated 2025-12-17.

Conditions:
Inborn genetic diseases. Identifiers: MedGen C0950123, MeSH D030342.
Charcot-Marie-Tooth disease type 2. Also called: Charcot-Marie-Tooth type 2. Identifiers: Orphanet 64746, MedGen C0270914, MONDO:0018993.

Allele frequency attached by ClinVar (database versions not stated): gnomAD exomes 0.00006 and 0.00001; ExAC 0.00007; TOPMed 0.00022; ESP Exome Variant Server 0.00015; gnomAD 0.00019; 1000 Genomes Project 0.00020; 1000 Genomes Project 30x 0.00016.
gnomAD v4.1: 54 of 1,614,130 alleles (0.0033%); highest among the groups gnomAD compares: African/African-American, 0.051%; no homozygotes.

Submissions (3):

Labcorp Genetics (formerly Invitae), Labcorp
Classification: Uncertain significance for Charcot-Marie-Tooth disease type 2. Last evaluated: 2025-12-17. Review status: criteria provided, single submitter. Criteria: Invitae Variant Classification Sherloc (09022015). Collection method: clinical testing. Allele origin: germline.
Comment: This sequence change replaces arginine, which is basic and polar, with histidine, which is basic and polar, at codon 267 of the BSCL2 protein (p.Arg267His). This variant is present in population databases (rs201229787, gnomAD 0.06%). This missense change has been observed in individual(s) with clinical features of Charcot-Marie-Tooth disease (PMID: 34190362). ClinVar contains an entry for this variant (Variation ID: 576407). Invitae Evidence Modeling of protein sequence and biophysical properties (such as structural, functional, and spatial information, amino acid conservation, physicochemical variation, residue mobility, and thermodynamic stability) indicates that this missense variant is not expected to disrupt BSCL2 protein function with a negative predictive value of 80%. In summary, the available evidence is currently insufficient to determine the role of this variant in disease. Therefore, it has been classified as a Variant of Uncertain Significance.

GeneDx
Classification: Uncertain significance. Last evaluated: 2024-02-05. Review status: criteria provided, single submitter. Criteria: GeneDx Variant Classification Process June 2021. Collection method: clinical testing. Allele origin: germline. Affected: yes.
Comment: Reported in an individual with Charcot-Marie-Tooth disease (PMID: 34190362); In silico analysis supports that this missense variant has a deleterious effect on protein structure/function; This variant is associated with the following publications: (PMID: 34190362)

Ambry Genetics
Classification: Likely benign for Inborn genetic diseases. Last evaluated: 2020-03-24. Review status: criteria provided, single submitter. Criteria: Ambry Variant Classification Scheme 2023. Collection method: clinical testing. Allele origin: germline.

Literature cited by the submitters: PubMed 34190362 (cited by Labcorp Genetics (formerly Invitae), Labcorp).